The following is an entry in ClinVar:

NM_001114753.3(ENG):c.565G>A (p.Asp189Asn)

Gene: ENG (endoglin; minus strand). Cytogenetic location: 9q34.11.
Variant type: single nucleotide variant.
Coding change: c.565G>A on transcript NM_001114753.3 (MANE Select); coding-DNA position 565, G replaced by A.
Protein change: p.Asp189Asn; replaces aspartic acid 189 with asparagine.
Molecular consequence: missense variant.
Genome position (GRCh38, 1-based): chr9:127,825,819, C>T on the plus strand (G>A on the coding strand, the complement: ENG is on the minus strand). VCF-style: chr9-127825819-C-T. GRCh37 (hg19) VCF-style: chr9-130588098-C-T.
Other names: c.565G>A, p.Asp189Asn (NM_000118.4, NM_001406715.1); c.19G>A, p.Asp7Asn (NM_001278138.2); short protein forms D7N, D189N.
Identifiers: ClinVar variation 968683 (VCV000968683.13), dbSNP rs147792018, ClinGen allele CA5253087.

ClinVar aggregate classification (germline): Conflicting classifications of pathogenicity. Review status: criteria provided, conflicting classifications (1 of 4 stars). 2 submissions from 2 submitters: Uncertain significance (1); Benign (1). Last evaluated 2025-10-22.

Conditions:
Hereditary hemorrhagic telangiectasia (HHT). Also called: Osler hemorrhagic telangiectasia syndrome; ORW DISEASE; Osler Weber Rendu syndrome; OSLER-RENDU-WEBER DISEASE. Identifiers: Orphanet 774, MedGen C0039445, MONDO:0019180. Disease mechanism: loss of function.
Cardiovascular phenotype. Identifiers: MedGen CN230736.

Allele frequency attached by ClinVar (database versions not stated): TOPMed 0.00010; ESP Exome Variant Server 0.00031.
gnomAD v4.1: 28 of 1,597,644 alleles (0.0018%); highest among the groups gnomAD compares: African/African-American, 0.036%; no homozygotes.

Submissions (2):

Labcorp Genetics (formerly Invitae), Labcorp
Classification: Benign for Hereditary hemorrhagic telangiectasia. Last evaluated: 2025-10-22. Review status: criteria provided, single submitter. Criteria: Invitae Variant Classification Sherloc (09022015). Collection method: clinical testing. Allele origin: germline.

Ambry Genetics
Classification: Uncertain significance for Cardiovascular phenotype. Last evaluated: 2021-01-12. Review status: criteria provided, single submitter. Criteria: Ambry Variant Classification Scheme 2023. Collection method: clinical testing. Allele origin: germline.
Comment: The p.D189N variant (also known as c.565G>A), located in coding exon 5 of the ENG gene, results from a G to A substitution at nucleotide position 565. The aspartic acid at codon 189 is replaced by asparagine, an amino acid with highly similar properties. This amino acid position is highly conserved in available vertebrate species. In addition, this alteration is predicted to be tolerated by in silico analysis. Since supporting evidence is limited at this time, the clinical significance of this alteration remains unclear.